The following is an entry in ClinVar:

NM_006514.4(SCN10A):c.1469T>C (p.Leu490Pro)

Gene: SCN10A (sodium voltage-gated channel alpha subunit 10; minus strand). Cytogenetic location: 3p22.2.
Variant type: single nucleotide variant.
Coding change: c.1469T>C on transcript NM_006514.4 (MANE Select); coding-DNA position 1469, T replaced by C.
Protein change: p.Leu490Pro; replaces leucine 490 with proline.
Molecular consequence: missense variant. On other transcripts: intron variant (1).
Genome position (GRCh38, 1-based): chr3:38,752,505, A>G on the plus strand (T>C on the coding strand, the complement: SCN10A is on the minus strand). VCF-style: chr3-38752505-A-G. GRCh37 (hg19) VCF-style: chr3-38793996-A-G.
Other names: p.Leu490Pro; c.1469T>C, p.Leu490Pro (NM_001293306.2); c.1462-2321T>C (NM_001293307.2); short protein forms L490P.
Identifiers: ClinVar variation 645935 (VCV000645935.6), dbSNP rs745630620, ClinGen allele CA2320843.

ClinVar aggregate classification (germline): Uncertain significance. Review status: criteria provided, multiple submitters, no conflicts (2 of 4 stars). 3 submissions from 3 submitters: Uncertain significance (3). Last evaluated 2025-10-09.

Conditions:
Cardiovascular phenotype. Identifiers: MedGen CN230736.
Brugada syndrome. Also called: Sudden unexpected nocturnal death syndrome; Sudden Unexplained Death Syndrome; Sudden Unexplained Nocturnal Death Syndrome (SUNDS); Sudden unexplained nocturnal death syndrome. Identifiers: Orphanet 130, MedGen C1142166, MONDO:0015263.

Allele frequency attached by ClinVar (database versions not stated): gnomAD exomes 0.00001 and 0.00002; ExAC 0.00001; gnomAD 0.00001.

Submissions (3):

Mayo Clinic Laboratories, Mayo Clinic
Classification: Uncertain significance. Last evaluated: 2025-10-09. Review status: criteria provided, single submitter. Criteria: ACMG Guidelines, 2015. Collection method: clinical testing. Allele origin: germline. Observed: 1 variant allele.
Comment: PM2_supporting

Ambry Genetics
Classification: Uncertain significance for Cardiovascular phenotype. Last evaluated: 2023-01-25. Review status: criteria provided, single submitter. Criteria: Ambry Variant Classification Scheme 2023. Collection method: clinical testing. Allele origin: germline.
Comment: The p.L490P variant (also known as c.1469T>C), located in coding exon 11 of the SCN10A gene, results from a T to C substitution at nucleotide position 1469. The leucine at codon 490 is replaced by proline, an amino acid with similar properties. This amino acid position is highly conserved in available vertebrate species. In addition, the in silico prediction for this alteration is inconclusive. Since supporting evidence is limited at this time, the clinical significance of this alteration remains unclear.

Labcorp Genetics (formerly Invitae), Labcorp
Classification: Uncertain significance for Brugada syndrome. Last evaluated: 2022-06-04. Review status: criteria provided, single submitter. Criteria: Invitae Variant Classification Sherloc (09022015). Collection method: clinical testing. Allele origin: germline.
Comment: This sequence change replaces leucine, which is neutral and non-polar, with proline, which is neutral and non-polar, at codon 490 of the SCN10A protein (p.Leu490Pro). This variant is present in population databases (rs745630620, gnomAD 0.001%). This variant has not been reported in the literature in individuals affected with SCN10A-related conditions. ClinVar contains an entry for this variant (Variation ID: 645935). Algorithms developed to predict the effect of missense changes on protein structure and function are either unavailable or do not agree on the potential impact of this missense change (SIFT: "Deleterious"; PolyPhen-2: "Not Available"; Align-GVGD: "Class C0"). In summary, the available evidence is currently insufficient to determine the role of this variant in disease. Therefore, it has been classified as a Variant of Uncertain Significance.